The following is an entry in ClinVar:

ClinVar aggregate classification (germline): Likely pathogenic (1 of 4 stars; one submission).

Conditions:
Alport syndrome. Also called: Hemorrhagic familial nephritis; Hemorrhagic hereditary nephritis; Congenital hereditary hematuria. Identifiers: Orphanet 63, MedGen C1567741, MONDO:0018965.

Submission:

Natera, Inc.
Classification: Likely pathogenic for Alport syndrome. Last evaluated: 2025-11-25. Review status: criteria provided, single submitter. Criteria: Natera Variant Classification Schema (03/2026). Collection method: clinical testing. Allele origin: germline.
Comment: The c.246dup variant in COL4A4 is a frameshift variant predicted to shift the reading frame beginning at codon 83 and leads to a stop codon 27 codons downstream. This variant is expected to result in nonsense mediated decay, truncation, or a dysfunctional protein product. This variant is rare in the general population with a frequency below the threshold expected for the associated phenotype(s). Given the available evidence, this variant is classified as Likely Pathogenic.

NM_000092.5(COL4A4):c.246dup (p.Gly83fs)

Gene: COL4A4 (collagen type IV alpha 4 chain; minus strand). Cytogenetic location: 2q36.3.
Variant type: Duplication.
Coding change: c.246dup on transcript NM_000092.5 (MANE Select); coding-DNA position 246, one base duplicated (A; older notation c.246dupA).
Protein change: p.Gly83fs; shifts the reading frame from glycine 83.
Molecular consequence: frameshift variant.
Genome position (GRCh38, 1-based): chr2:227,121,095, T duplicated on the plus strand (A on the coding strand, the reverse complement: COL4A4 is on the minus strand). VCF-style (leftmost placement, unchanged base first): chr2-227121094-C-CT. GRCh37 (hg19) VCF-style: chr2-227985810-C-CT.
Other names: short protein forms G83fs.
Identifiers: ClinVar variation 4817308 (VCV004817308.1).
Genomic context (GRCh38, chr2:227,121,094, plus strand): 5'-CTGCTCCAGGAGGGCCGCGGTCCCCTCTCATTCCTTTCTCTCCTGAAAGCCCAATGGGTC[C>CT]TGGGGCTCCCAGGGGTCCAATTGGACCCTGTGGCCCTGGTGGTCCTGGTGGACCCTGAGA-3'